The following is an entry in ClinVar:

NM_000059.4(BRCA2):c.7508T>A (p.Val2503Asp)

Gene: BRCA2 (BRCA2 DNA repair associated; plus strand). Cytogenetic location: 13q13.1.
Variant type: single nucleotide variant.
Coding change: c.7508T>A on transcript NM_000059.4 (MANE Select); coding-DNA position 7508, T replaced by A.
Protein change: p.Val2503Asp; replaces valine 2503 with aspartic acid.
Molecular consequence: missense variant.
Genome position (GRCh38, 1-based): chr13:32,356,500, T>A. VCF-style: chr13-32356500-T-A. GRCh37 (hg19) VCF-style: chr13-32930637-T-A.
Other names: short protein forms V2503D.
Identifiers: ClinVar variation 186878 (VCV000186878.10), dbSNP rs786203292, ClinGen allele CA025125.

ClinVar aggregate classification (germline): Conflicting classifications of pathogenicity. Review status: criteria provided, conflicting classifications (1 of 4 stars). 3 submissions from 3 submitters: Uncertain significance (2); Likely benign (1). Last evaluated 2024-04-19.

Conditions:
Hereditary cancer-predisposing syndrome. Also called: Neoplastic Syndromes, Hereditary; Tumor predisposition; Hereditary Cancer Syndrome; Hereditary neoplastic syndrome. Identifiers: Orphanet 140162, MedGen C0027672, MeSH D009386, MONDO:0015356.
Hereditary breast ovarian cancer syndrome. Also called: Hereditary breast and ovarian cancer; Hereditary breast and/or ovarian cancer syndrome; BRCA1- and BRCA2-Associated Hereditary Breast and Ovarian Cancer; Hereditary breast and ovarian cancer syndrome (HBOC); Hereditary breast and ovarian cancer syndrome; Breast and ovarian cancer. Identifiers: Orphanet 145, MedGen C0677776, MeSH D061325, MONDO:0003582. Disease mechanism: loss of function.

Submissions (3):

Quest Diagnostics Nichols Institute San Juan Capistrano
Classification: Uncertain significance. Last evaluated: 2024-04-19. Review status: criteria provided, single submitter. Criteria: Quest Diagnostics criteria. Collection method: clinical testing. Allele origin: unknown.
Comment: The BRCA2 c.7508T>A (p.Val2503Asp) variant has been reported in the published literature to be located in a region of the BRCA2 gene that is tolerant to missense sequence changes (PMID: 31911673 (2020)). This variant has not been reported in large, multi-ethnic general populations (Genome Aggregation Database). Analysis of this variant using bioinformatics tools for the prediction of the effect of amino acid changes on protein structure and function yielded conflicting predictions that this variant is benign or damaging. Based on the available information, we are unable to determine the clinical significance of this variant.

Labcorp Genetics (formerly Invitae), Labcorp
Classification: Uncertain significance for Hereditary breast ovarian cancer syndrome. Last evaluated: 2023-05-28. Review status: criteria provided, single submitter. Criteria: Invitae Variant Classification Sherloc (09022015). Collection method: clinical testing. Allele origin: germline.
Comment: Advanced modeling of protein sequence and biophysical properties (such as structural, functional, and spatial information, amino acid conservation, physicochemical variation, residue mobility, and thermodynamic stability) performed at Invitae indicates that this missense variant is not expected to disrupt BRCA2 protein function. This sequence change replaces valine, which is neutral and non-polar, with aspartic acid, which is acidic and polar, at codon 2503 of the BRCA2 protein (p.Val2503Asp). This variant is not present in population databases (gnomAD no frequency). This variant has not been reported in the literature in individuals affected with BRCA2-related conditions. ClinVar contains an entry for this variant (Variation ID: 186878). Algorithms developed to predict the effect of sequence changes on RNA splicing suggest that this variant may disrupt the consensus splice site. In summary, the available evidence is currently insufficient to determine the role of this variant in disease. Therefore, it has been classified as a Variant of Uncertain Significance.

Ambry Genetics
Classification: Likely benign for Hereditary cancer-predisposing syndrome. Last evaluated: 2022-01-03. Review status: criteria provided, single submitter. Criteria: Ambry Variant Classification Scheme 2023. Collection method: clinical testing. Allele origin: germline.

Literature cited by the submitters: PubMed 31911673 (cited by Quest Diagnostics Nichols Institute San Juan Capistrano).